The following is an entry in ClinVar:

ClinVar aggregate classification (germline): Likely benign. Review status: criteria provided, single submitter (1 of 4 stars). 2 submissions from 2 submitters: Likely benign (1). 1 of the submissions does not count toward it. Last evaluated 2026-02-01.

Conditions:
LMBRD2-related disorder.

Allele frequency attached by ClinVar (database versions not stated): 1000 Genomes Project 0.00080; 1000 Genomes Project 30x 0.00094; ESP Exome Variant Server 0.00123; gnomAD 0.00137; TOPMed 0.00139; ExAC 0.00155; gnomAD exomes 0.00226.
gnomAD v4.1: 3,473 of 1,612,510 alleles (0.22%); highest among the groups gnomAD compares: Non-Finnish European, 0.26%; 7 homozygotes.

Submissions (2):

CeGaT Center for Human Genetics Tuebingen
Classification: Likely benign. Last evaluated: 2026-02-01. Review status: criteria provided, single submitter. Criteria: CeGaT Center For Human Genetics Tuebingen Variant Classification Criteria Version 2. Collection method: clinical testing. Allele origin: germline. Affected: yes. Observed: 1 variant allele.
Comment: LMBRD2: BP4, BS1

PreventionGenetics, part of Exact Sciences
Classification: Likely benign for LMBRD2-related condition. Last evaluated: 2022-10-07. Review status: no assertion criteria provided. Collection method: clinical testing. Allele origin: germline. Not counted in ClinVar's aggregate classification.
Comment: This variant is classified as likely benign based on ACMG/AMP sequence variant interpretation guidelines (Richards et al. 2015 PMID: 25741868, with internal and published modifications).

NM_001007527.2(LMBRD2):c.1943G>A (p.Arg648Gln)

Gene: LMBRD2 (LMBR1 domain containing 2; minus strand). Cytogenetic location: 5p13.2.
Variant type: single nucleotide variant.
Coding change: c.1943G>A on transcript NM_001007527.2 (MANE Select); coding-DNA position 1943, G replaced by A.
Protein change: p.Arg648Gln; replaces arginine 648 with glutamine.
Molecular consequence: missense variant.
Genome position (GRCh38, 1-based): chr5:36,105,152, C>T on the plus strand (G>A on the coding strand, the complement: LMBRD2 is on the minus strand). VCF-style: chr5-36105152-C-T. GRCh37 (hg19) VCF-style: chr5-36105254-C-T.
Other names: short protein forms R648Q.
Identifiers: ClinVar variation 3050035 (VCV003050035.6), dbSNP rs139248479, ClinGen allele CA3233487.